The following is an entry in ClinVar:

NM_005718.5(ARPC4):c.56C>G (p.Ala19Gly)

Genes: ARPC4 (actin related protein 2/3 complex subunit 4; plus strand), ARPC4-TTLL3 (ARPC4-TTLL3 readthrough; plus strand). Cytogenetic location: 3p25.3.
Variant type: single nucleotide variant.
Coding change: c.56C>G on transcript NM_005718.5 (MANE Select); coding-DNA position 56, C replaced by G.
Protein change: p.Ala19Gly; replaces alanine 19 with glycine.
Molecular consequence: missense variant. On other transcripts: 5 prime UTR variant (2).
Genome position (GRCh38, 1-based): chr3:9,797,711, C>G. VCF-style: chr3-9797711-C-G. GRCh37 (hg19) VCF-style: chr3-9839395-C-G.
Other names: c.-215C>G (NM_001024959.3, NM_001024960.3); c.113C>G, p.Ala38Gly (NM_001198780.3); c.56C>G, p.Ala19Gly (NM_001198793.1); short protein forms A19G, A38G.
Identifiers: ClinVar variation 4537940 (VCV004537940.1).

ClinVar aggregate classification (germline): Uncertain significance (1 of 4 stars; one submission).

Submission:

GeneDx
Classification: Uncertain significance. Last evaluated: 2025-06-02. Review status: criteria provided, single submitter. Criteria: GeneDx Variant Classification Process June 2021. Collection method: clinical testing. Allele origin: germline. Affected: yes.
Comment: Not observed at significant frequency in large population cohorts (gnomAD); In silico analysis supports that this missense variant has a deleterious effect on protein structure/function; Has not been previously published as pathogenic or benign to our knowledge